The following is an entry in ClinVar:

ClinVar aggregate classification (germline): Conflicting classifications of pathogenicity. Review status: criteria provided, conflicting classifications (1 of 4 stars). 3 submissions from 3 submitters: Pathogenic (1); Uncertain significance (1). 1 of the submissions does not count toward it. Last evaluated 2026-09-02.

Conditions:
X-linked Alport syndrome (ATS1). Also called: COL4A5-Related Nephropathy; NEPHROPATHY AND DEAFNESS, X-LINKED. Identifiers: Orphanet 63, Orphanet 88917, MedGen C4746986, MONDO:0010520, OMIM 301050.

Submissions (3):

Centre de Génétique Humaine, Institut de Pathologie Et de Génétique
Classification: Pathogenic for X-linked Alport syndrome. Last evaluated: 2026-09-02. Review status: criteria provided, single submitter. Criteria: ACMG Guidelines, 2015. Collection method: clinical testing. Allele origin: de novo. Inheritance: X-linked dominant inheritance. Affected: yes. Observed: 1 variant allele, 1 heterozygote. Segregation with disease not observed.
Comment: Synonymous variant adjacent to donor splice site of intron 44. This variant is rare: allelic frequency of 0.0024% in gnomAD v4.1.0 database (PM2). Another variant affecting the same nucleotide showed exon 44 skipping: c.3924G>C, PMID: 35005319 (PS1). Analysis of the transcript performed in our laboratory confirmed the skip of exon 44 inducing a frameshit (PS3).

Labcorp Genetics (formerly Invitae), Labcorp
Classification: Uncertain significance. Last evaluated: 2023-05-02. Review status: criteria provided, single submitter. Criteria: Invitae Variant Classification Sherloc (09022015). Collection method: clinical testing. Allele origin: germline.
Comment: This variant has not been reported in the literature in individuals affected with COL4A5-related conditions. This variant is not present in population databases (gnomAD no frequency). This sequence change affects codon 1308 of the COL4A5 mRNA. It is a 'silent' change, meaning that it does not change the encoded amino acid sequence of the COL4A5 protein. This variant also falls at the last nucleotide of exon 42, which is part of the consensus splice site for this exon. ClinVar contains an entry for this variant (Variation ID: 522412). In summary, the available evidence is currently insufficient to determine the role of this variant in disease. Therefore, it has been classified as a Variant of Uncertain Significance. Variants that disrupt the consensus splice site are a relatively common cause of aberrant splicing (PMID: 17576681, 9536098). Algorithms developed to predict the effect of sequence changes on RNA splicing suggest that this variant may disrupt the consensus splice site.

Bioscientia Institut fuer Medizinische Diagnostik GmbH, Sonic Healthcare
Classification: Likely pathogenic for X-linked Alport syndrome. Last evaluated: 2017-09-18. Review status: no assertion criteria provided. Collection method: clinical testing. Allele origin: germline. Affected: yes. Not counted in ClinVar's aggregate classification.

Literature cited by the submitters: PubMed 17576681 (cited by Labcorp Genetics (formerly Invitae), Labcorp); PubMed 9536098 (cited by Labcorp Genetics (formerly Invitae), Labcorp).

NM_033380.3(COL4A5):c.3942G>A (p.Gln1314=)

Gene: COL4A5 (collagen type IV alpha 5 chain; plus strand). Cytogenetic location: Xq22.3.
Variant type: single nucleotide variant.
Coding change: c.3942G>A on transcript NM_033380.3 (MANE Select); coding-DNA position 3942, G replaced by A.
Protein change: p.Gln1314=; no amino-acid change (glutamine 1314 retained).
Molecular consequence: synonymous variant.
Genome position (GRCh38, 1-based): chrX:108,677,633, G>A. VCF-style: chrX-108677633-G-A. GRCh37 (hg19) VCF-style: chrX-107920863-G-A.
Other names: p.(Gln1314=); c.3924G>A, p.Gln1308= (NM_000495.5).
Identifiers: ClinVar variation 522412 (VCV000522412.10), dbSNP rs281874724, ClinGen allele CA517923573.